The following is an entry in ClinVar:

ClinVar aggregate classification (germline): Uncertain significance (1 of 4 stars; one submission).

Conditions:
Neuroblastoma, susceptibility to, 3. Also called: ALK-Related Neuroblastic Tumor Susceptibility. Identifiers: Orphanet 635, MedGen C2751681, MONDO:0013083, OMIM 613014.

Submission:

Labcorp Genetics (formerly Invitae), Labcorp
Classification: Uncertain significance for Neuroblastoma, susceptibility to, 3. Last evaluated: 2019-04-25. Review status: criteria provided, single submitter. Criteria: Invitae Variant Classification Sherloc (09022015). Collection method: clinical testing. Allele origin: germline.
Comment: This sequence change replaces aspartic acid with glutamic acid at codon 94 of the ALK protein (p.Asp94Glu). The aspartic acid residue is moderately conserved and there is a small physicochemical difference between aspartic acid and glutamic acid. While this variant is not present in population databases, the frequency information is unreliable, as metrics indicate poor data quality at this position in the ExAC database. This variant has not been reported in the literature in individuals with ALK-related disease. Algorithms developed to predict the effect of missense changes on protein structure and function do not agree on the potential impact of this missense change (SIFT: "Deleterious"; PolyPhen-2: "Benign"; Align-GVGD: "Class C0"). In summary, the available evidence is currently insufficient to determine the role of this variant in disease. Therefore, it has been classified as a Variant of Uncertain Significance.

NM_004304.5(ALK):c.282C>G (p.Asp94Glu)

Gene: ALK (ALK receptor tyrosine kinase; minus strand). Cytogenetic location: 2p23.1.
Variant type: single nucleotide variant.
Coding change: c.282C>G on transcript NM_004304.5 (MANE Select); coding-DNA position 282, C replaced by G.
Protein change: p.Asp94Glu; replaces aspartic acid 94 with glutamic acid.
Molecular consequence: missense variant.
Genome position (GRCh38, 1-based): chr2:29,920,378, G>C on the plus strand (C>G on the coding strand, the complement: ALK is on the minus strand). VCF-style: chr2-29920378-G-C. GRCh37 (hg19) VCF-style: chr2-30143244-G-C.
Other names: short protein forms D94E.
Identifiers: ClinVar variation 565719 (VCV000565719.10), dbSNP rs1558549961, ClinGen allele CA346590340.